The following is an entry in ClinVar:

NM_178857.6(RP1L1):c.454C>T (p.Arg152Trp)

Gene: RP1L1 (RP1 like 1). Cytogenetic location: 8p23.1.
Variant type: single nucleotide variant.
Coding change: c.454C>T on transcript NM_178857.6 (MANE Select); coding-DNA position 454, C replaced by T.
Protein change: p.Arg152Trp; replaces arginine 152 with tryptophan.
Molecular consequence: missense variant.
Genome position (GRCh38, 1-based): chr8:10,622,748, G>A on the plus strand (C>T on the coding strand, the complement: RP1L1 is on the minus strand). VCF-style: chr8-10622748-G-A. GRCh37 (hg19) VCF-style: chr8-10480258-G-A.
Other names: short protein forms R152W.
Identifiers: ClinVar variation 2214815 (VCV002214815.7), dbSNP rs749896033, ClinGen allele CA370300114.

ClinVar aggregate classification (germline): Uncertain significance. Review status: criteria provided, multiple submitters, no conflicts (2 of 4 stars). 4 submissions from 4 submitters: Uncertain significance (3). 1 of the submissions does not count toward it. Last evaluated 2024-08-21.

Conditions:
Inborn genetic diseases. Identifiers: MedGen C0950123, MeSH D030342.
Retinal dystrophy. Also called: Inherited retinal dystrophy. Identifiers: Orphanet 71862, MedGen C0854723, MeSH D058499, MONDO:0019118, HP:0000556.

gnomAD v4.1: 23 of 1,613,908 alleles (0.0014%); highest among the groups gnomAD compares: Admixed American, 0.0033%; no homozygotes.

Submissions (4):

Labcorp Genetics (formerly Invitae), Labcorp
Classification: Uncertain significance. Last evaluated: 2024-08-21. Review status: criteria provided, single submitter. Criteria: Invitae Variant Classification Sherloc (09022015). Collection method: clinical testing. Allele origin: germline.
Comment: This sequence change replaces arginine, which is basic and polar, with tryptophan, which is neutral and slightly polar, at codon 152 of the RP1L1 protein (p.Arg152Trp). This variant is present in population databases (no rsID available, gnomAD 0.004%). This variant has not been reported in the literature in individuals affected with RP1L1-related conditions. ClinVar contains an entry for this variant (Variation ID: 2214815). Invitae Evidence Modeling of protein sequence and biophysical properties (such as structural, functional, and spatial information, amino acid conservation, physicochemical variation, residue mobility, and thermodynamic stability) indicates that this missense variant is not expected to disrupt RP1L1 protein function with a negative predictive value of 80%. In summary, the available evidence is currently insufficient to determine the role of this variant in disease. Therefore, it has been classified as a Variant of Uncertain Significance.

Blueprint Genetics
Classification: Uncertain significance. Last evaluated: 2022-09-27. Review status: criteria provided, single submitter. Criteria: ACMG Guidelines, 2015. Collection method: clinical testing. Allele origin: germline.

Ambry Genetics
Classification: Uncertain significance for Inborn genetic diseases. Last evaluated: 2021-11-05. Review status: criteria provided, single submitter. Criteria: Ambry Variant Classification Scheme 2023. Collection method: clinical testing. Allele origin: germline.

Institute of Human Genetics, Univ. Regensburg, Univ. Regensburg
Classification: Uncertain significance for Retinal dystrophy. Last evaluated: 2018-01-01. Review status: no assertion criteria provided. Criteria: ACMG Guidelines, 2015. Collection method: clinical testing. Allele origin: germline. Affected: yes. Not counted in ClinVar's aggregate classification.